The following is an entry in ClinVar:

ClinVar aggregate classification (germline): Pathogenic (1 of 4 stars; one submission).

Conditions:
Autosomal dominant intellectual disability-craniofacial anomalies-cardiac defects syndrome (ARTHS). Also called: KAT6A syndrome; Arboleda-Tham syndrome; Mental retardation, autosomal dominant 32. Identifiers: Orphanet 457193, MedGen C4225396, MONDO:0014558, OMIM 616268.

Submission:

Victorian Clinical Genetics Services, Murdoch Childrens Research Institute
Classification: Pathogenic for Autosomal dominant intellectual disability-craniofacial anomalies-cardiac defects syndrome. Last evaluated: 2020-10-19. Review status: criteria provided, single submitter. Criteria: ACMG Guidelines, 2015. Collection method: clinical testing. Allele origin: germline. Inheritance: Autosomal dominant inheritance.
Comment: Based on the classification scheme VCGS_Germline_v1.1.1, this variant is classified as Pathogenic. Following criteria are met: 0102 - Loss-of-function is a known mechanism of disease for this gene. (N) 0107 - This gene is known to be associated with autosomal dominant disease. (N) 0204 - Variant is predicted to result in a truncated protein with more than 1/3 of the protein affected (exon 17 of 17). (P) 0251 - Variant is heterozygous. (N) 0301 - Variant is absent from gnomAD. (P) 0401 - Variant is located in a gene associated with a severe early-onset dominant condition that is intolerant to loss-of-function variants. (P) 0601 - Variant affects at least one well-established (essential) functional domain or motif. The variant is located within the transactivation domain which is essential for normal protein function (PMID: 25728777). (P) 0701 - Comparable variants have very strong previous evidence for pathogenicity. Other variants predicted to cause a truncated protein have been reported as pathogenic in ClinVar. (P) 0807 - Variant has not previously been reported in a clinical context. (N) 0905 - No segregation evidence has been identified for this variant. (N) 1007 - No published functional evidence has been identified for this variant. (P) Legend: (P) - Pathogenic, (N) - Neutral, (B) - Benign

Literature cited by the submitters: PubMed 25728777.

NM_006766.5(KAT6A):c.3631_3632del (p.Thr1210_Val1211insTer)

Gene: KAT6A (lysine acetyltransferase 6A; minus strand). Cytogenetic location: 8p11.21.
Variant type: Deletion.
Coding change: c.3631_3632del on transcript NM_006766.5 (MANE Select); coding-DNA positions 3631 to 3632, 2 bases deleted (GT; older notation c.3631_3632delGT).
Protein change: p.Thr1210_Val1211insTer.
Molecular consequence: nonsense.
Genome position (GRCh38, 1-based): chr8:41,934,588-41,934,589, AC deleted on the plus strand (GT on the coding strand, the reverse complement: KAT6A is on the minus strand); deleting any 2 consecutive bases within chr8:41,934,588-41,934,590 gives the same sequence; the c. name uses the placement nearest the transcript's 3' end. VCF-style (leftmost placement, unchanged base first): chr8-41934587-AAC-A. GRCh37 (hg19) VCF-style: chr8-41792105-AAC-A.
Identifiers: ClinVar variation 1805333 (VCV001805333.1), dbSNP rs2486757967, ClinGen allele CA1139532825.